The following is an entry in ClinVar:

NM_018139.3(DNAAF2):c.122A>C (p.Glu41Ala)

Gene: DNAAF2 (dynein axonemal assembly factor 2; minus strand). Cytogenetic location: 14q21.3.
Variant type: single nucleotide variant.
Coding change: c.122A>C on transcript NM_018139.3 (MANE Select); coding-DNA position 122, A replaced by C.
Protein change: p.Glu41Ala; replaces glutamic acid 41 with alanine.
Molecular consequence: missense variant.
Genome position (GRCh38, 1-based): chr14:49,635,028, T>G on the plus strand (A>C on the coding strand, the complement: DNAAF2 is on the minus strand). VCF-style: chr14-49635028-T-G. GRCh37 (hg19) VCF-style: chr14-50101746-T-G.
Other names: c.122A>C, p.Glu41Ala (NM_001083908.2); short protein forms E41A.
Identifiers: ClinVar variation 656893 (VCV000656893.8), dbSNP rs1452570914, ClinGen allele CA389632630.

ClinVar aggregate classification (germline): Uncertain significance (1 of 4 stars; one submission).

Conditions:
Primary ciliary dyskinesia. Also called: Ciliary dyskinesia. Identifiers: Orphanet 244, MedGen C0008780, MONDO:0016575, HP:0012265.

Allele frequency attached by ClinVar (database versions not stated): gnomAD exomes 0.00002 and 0.00003; TOPMed 0.00002; gnomAD 0.00004.

Submission:

Labcorp Genetics (formerly Invitae), Labcorp
Classification: Uncertain significance for Primary ciliary dyskinesia. Last evaluated: 2024-11-05. Review status: criteria provided, single submitter. Criteria: Invitae Variant Classification Sherloc (09022015). Collection method: clinical testing. Allele origin: germline.
Comment: This sequence change replaces glutamic acid, which is acidic and polar, with alanine, which is neutral and non-polar, at codon 41 of the DNAAF2 protein (p.Glu41Ala). This variant is present in population databases (no rsID available, gnomAD 0.06%). This variant has not been reported in the literature in individuals affected with DNAAF2-related conditions. ClinVar contains an entry for this variant (Variation ID: 656893). Invitae Evidence Modeling of protein sequence and biophysical properties (such as structural, functional, and spatial information, amino acid conservation, physicochemical variation, residue mobility, and thermodynamic stability) indicates that this missense variant is not expected to disrupt DNAAF2 protein function with a negative predictive value of 80%. In summary, the available evidence is currently insufficient to determine the role of this variant in disease. Therefore, it has been classified as a Variant of Uncertain Significance.